The following is an entry in ClinVar:

NM_003640.5(ELP1):c.2665G>T (p.Glu889Ter)

Gene: ELP1 (elongator acetyltransferase complex subunit 1; minus strand). Cytogenetic location: 9q31.3.
Variant type: single nucleotide variant.
Coding change: c.2665G>T on transcript NM_003640.5 (MANE Select); coding-DNA position 2665, G replaced by T.
Protein change: p.Glu889Ter; replaces glutamic acid 889 with a stop codon.
Molecular consequence: nonsense.
Genome position (GRCh38, 1-based): chr9:108,896,567, C>A on the plus strand (G>T on the coding strand, the complement: ELP1 is on the minus strand). VCF-style: chr9-108896567-C-A. GRCh37 (hg19) VCF-style: chr9-111658847-C-A.
Other names: c.2323G>T, p.Glu775Ter (NM_001318360.2); c.1618G>T, p.Glu540Ter (NM_001330749.2); c.2665G>T (NM_003640.4); short protein forms E540*, E775*, E889*.
Identifiers: ClinVar variation 4759289 (VCV004759289.2).

ClinVar aggregate classification (germline): Likely pathogenic. Review status: criteria provided, multiple submitters, no conflicts (2 of 4 stars). 2 submissions from 2 submitters: Likely pathogenic (2). Last evaluated 2024-12-02.

Conditions:
Familial dysautonomia. Also called: HSAN III; FD. Identifiers: Orphanet 1764, MedGen C0013364, MONDO:0009131, OMIM 223900. Disease mechanism: loss of function.
ELP1-Associated Medulloblastoma. Identifiers: MedGen C5670652.

Submissions (2):

Institute for Genomic Medicine (IGM) Clinical Laboratory, Nationwide Children's Hospital
Classification: Likely pathogenic for ELP1-Associated Medulloblastoma. Last evaluated: 2024-12-02. Review status: criteria provided, single submitter. Criteria: ACMG Guidelines, 2015. Collection method: clinical testing. Allele origin: germline.
Comment: This variant is predicted to result in loss of function through nonsense-mediated decay of the encoded transcript or premature truncation of the encoded protein in a gene in which loss of function is a known mechanism of disease (ACMG/AMP: PVS1). This variant is absent from or present at an exceedingly low frequency in gnomAD, a large-scale control population database (ACMG/AMP: PM2).

Natera, Inc.
Classification: Likely pathogenic for Familial dysautonomia. Last evaluated: 2024-10-28. Review status: criteria provided, single submitter. Criteria: Natera Variant Classification Schema (03/2026). Collection method: clinical testing. Allele origin: germline.
Comment: The c.2665G>T variant in ELP1 is a nonsense variant predicted to introduce a stop codon at amino acid 889. This variant is expected to result in nonsense mediated decay, truncation, or a dysfunctional protein product. This variant is rare in the general population with a frequency below the threshold expected for the associated phenotype(s). Given the available evidence, this variant is classified as Likely Pathogenic.